The following is an entry in ClinVar:

NM_000368.5(TSC1):c.1142-9G>T

Gene: TSC1 (TSC complex subunit 1; minus strand). Cytogenetic location: 9q34.13.
Variant type: single nucleotide variant.
Coding change: c.1142-9G>T on transcript NM_000368.5 (MANE Select); 9 bases into the intron before coding-DNA position 1142, G replaced by T.
Molecular consequence: intron variant.
Genome position (GRCh38, 1-based): chr9:132,910,701, C>A on the plus strand (G>T on the coding strand, the complement: TSC1 is on the minus strand). VCF-style: chr9-132910701-C-A. GRCh37 (hg19) VCF-style: chr9-135786088-C-A.
Other names: c.779-12G>T (NM_001406620.1, NM_001406625.1, NM_001406621.1 and 2 more transcripts); c.779-9G>T (NM_001406618.1, NM_001406617.1, NM_001406619.1 and 5 more transcripts); c.989-12G>T (NM_001406613.1, NM_001406612.1, NM_001406611.1); c.989-9G>T (NM_001406610.1, NM_001162427.2); c.191-12G>T (NM_001406627.1, NM_001406628.1); c.92-12G>T (NM_001406629.1, NM_001406630.1); c.1142-12G>T (NM_001406603.1, NM_001406609.1, NM_001406597.1 and 6 more transcripts); c.1142-9G>T (NM_001406602.1, NM_001406606.1, NM_001406592.1 and 7 more transcripts); and 1 more.
Identifiers: ClinVar variation 3767847 (VCV003767847.1).

ClinVar aggregate classification (germline): Uncertain significance (1 of 4 stars; one submission).

Submission:

GeneDx
Classification: Uncertain significance. Last evaluated: 2024-09-05. Review status: criteria provided, single submitter. Criteria: GeneDx Variant Classification Process June 2021. Collection method: clinical testing. Allele origin: germline. Affected: yes.
Comment: Not observed at significant frequency in large population cohorts (gnomAD); Has not been previously published as pathogenic or benign to our knowledge; In silico analysis suggests this variant may impact gene splicing. In the absence of RNA/functional studies, the actual effect of this sequence change is unknown.